The following is an entry in ClinVar:

ClinVar aggregate classification (germline): Uncertain significance (1 of 4 stars; one submission).

Allele frequency attached by ClinVar (database versions not stated): gnomAD exomes below 0.00001; ExAC 0.00001.
gnomAD v4.1: 6 of 1,609,224 alleles (0.00037%); highest among the groups gnomAD compares: South Asian, 0.0022%; no homozygotes.

Submission:

Labcorp Genetics (formerly Invitae), Labcorp
Classification: Uncertain significance. Last evaluated: 2022-09-01. Review status: criteria provided, single submitter. Criteria: Invitae Variant Classification Sherloc (09022015). Collection method: clinical testing. Allele origin: germline.
Comment: This sequence change replaces leucine, which is neutral and non-polar, with valine, which is neutral and non-polar, at codon 185 of the WDR4 protein (p.Leu185Val). This variant is present in population databases (rs753550069, gnomAD 0.007%). In summary, the available evidence is currently insufficient to determine the role of this variant in disease. Therefore, it has been classified as a Variant of Uncertain Significance. Algorithms developed to predict the effect of missense changes on protein structure and function are either unavailable or do not agree on the potential impact of this missense change (SIFT: "Deleterious"; PolyPhen-2: "Probably Damaging"; Align-GVGD: "Class C0"). This variant has not been reported in the literature in individuals affected with WDR4-related conditions.

NM_018669.6(WDR4):c.553T>G (p.Leu185Val)

Gene: WDR4 (WDR4 tRNA N7-guanosine methyltransferase non-catalytic subunit; minus strand). Cytogenetic location: 21q22.3.
Variant type: single nucleotide variant.
Coding change: c.553T>G on transcript NM_018669.6 (MANE Select); coding-DNA position 553, T replaced by G.
Protein change: p.Leu185Val; replaces leucine 185 with valine.
Molecular consequence: missense variant. On other transcripts: non-coding transcript variant (1).
Genome position (GRCh38, 1-based): chr21:42,862,295, A>C on the plus strand (T>G on the coding strand, the complement: WDR4 is on the minus strand). VCF-style: chr21-42862295-A-C. GRCh37 (hg19) VCF-style: chr21-44282405-A-C.
Other names: c.553T>G, p.Leu185Val (NM_001260474.2, NM_033661.5); c.115T>G, p.Leu39Val (NM_001260475.2, NM_001260476.2, NM_001260477.2 and 1 more transcripts); short protein forms L185V, L39V.
Identifiers: ClinVar variation 2098886 (VCV002098886.4), dbSNP rs753550069, ClinGen allele CA10046057.
Genomic context (GRCh38, chr21:42,862,295, plus strand): 5'-TTCAAACAGACCTTCTTTCTGCTGGAGGGGCAGGAAGGGGCACTCACTCTGTGTGCCCCA[A>C]GCAGAAGGACTCGATGCTATGGGGCGCCGCGGCCCAGCTGACTCGGATCTTCTCGTCCCG-3'
Protein context (NP_061139.2, residues 175-195): AAPHSIESFC[Leu185Val]GHTEFVSRIS